The following is an entry in ClinVar:

ClinVar aggregate classification (germline): Uncertain significance (1 of 4 stars; one submission).

Submission:

GeneDx
Classification: Uncertain significance. Last evaluated: 2026-03-31. Review status: criteria provided, single submitter. Criteria: GeneDx Variant Classification Process June 2021. Collection method: clinical testing. Allele origin: germline.
Comment: Not observed at significant frequency in large population cohorts (gnomAD); In silico analysis suggests that this missense variant does not alter protein structure/function; Has not been previously published as pathogenic or benign to our knowledge

NM_005121.3(MED13):c.6019C>A (p.Leu2007Ile)

Gene: MED13 (mediator complex subunit 13; minus strand). Cytogenetic location: 17q23.2.
Variant type: single nucleotide variant.
Coding change: c.6019C>A on transcript NM_005121.3 (MANE Select); coding-DNA position 6019, C replaced by A.
Protein change: p.Leu2007Ile; replaces leucine 2007 with isoleucine.
Molecular consequence: missense variant.
Genome position (GRCh38, 1-based): chr17:61,953,063, G>T on the plus strand (C>A on the coding strand, the complement: MED13 is on the minus strand). VCF-style: chr17-61953063-G-T. GRCh37 (hg19) VCF-style: chr17-60030424-G-T.
Other names: short protein forms L2007I.
Identifiers: ClinVar variation 4686968 (VCV004686968.2).